The following is an entry in ClinVar:

ClinVar aggregate classification (germline): Benign/Likely benign. Review status: criteria provided, multiple submitters, no conflicts (2 of 4 stars). 3 submissions from 3 submitters: Benign (1); Likely benign (2). Last evaluated 2020-12-01.

Conditions:
Developmental and epileptic encephalopathy, 12 (DEE12). Identifiers: MedGen C3150988, MONDO:0013389, OMIM 613722.

Allele frequency attached by ClinVar (database versions not stated): 1000 Genomes Project 0.02855; 1000 Genomes Project 30x 0.03029; gnomAD 0.04003; TOPMed 0.04172.
gnomAD v4.1: 15,302 of 354,066 alleles (4.3%); highest among the groups gnomAD compares: Middle Eastern, 9.3%; 425 homozygotes.

Submissions (3):

GeneDx
Classification: Likely benign. Last evaluated: 2020-12-01. Review status: criteria provided, single submitter. Criteria: GeneDx Variant Classification Process June 2021. Collection method: clinical testing. Allele origin: germline. Affected: yes.

Illumina Laboratory Services, Illumina
Classification: Benign for Developmental and epileptic encephalopathy, 12. Last evaluated: 2018-01-12. Review status: criteria provided, single submitter. Criteria: ICSL Variant Classification Criteria 13 December 2019. Collection method: clinical testing. Allele origin: germline.
Comment: This variant was observed in the ICSL laboratory as part of a predisposition screen in an ostensibly healthy population. It had not been previously curated by ICSL or reported in the Human Gene Mutation Database (HGMD: prior to June 1st, 2018), and was therefore a candidate for classification through an automated scoring system. Utilizing variant allele frequency, disease prevalence and penetrance estimates, and inheritance mode, an automated score was calculated to assess if this variant is too frequent to cause the disease. Based on the score and internal cut-off values, a variant classified as benign is not then subjected to further curation. The score for this variant resulted in a classification of benign for this disease.

Breakthrough Genomics
Classification: Likely benign. Review status: criteria provided, single submitter. Criteria: ACMG Guidelines, 2015. Collection method: not provided. Allele origin: germline. Inheritance: Autosomal recessive inheritance. Affected: yes.

NM_015192.4(PLCB1):c.-170C>A

Genes: PLCB1 (phospholipase C beta 1; plus strand), LOC130065408 (ATAC-STARR-seq lymphoblastoid silent region 12668; plus strand). Cytogenetic location: 20p12.3.
Variant type: single nucleotide variant.
Coding change: c.-170C>A on transcript NM_015192.4 (MANE Select); 170 bases upstream of the start codon, C replaced by A.
Molecular consequence: 5 prime UTR variant.
Genome position (GRCh38, 1-based): chr20:8,132,482, C>A. VCF-style: chr20-8132482-C-A. GRCh37 (hg19) VCF-style: chr20-8113129-C-A.
Other names: c.-170C>A (NM_182734.3).
Identifiers: ClinVar variation 897294 (VCV000897294.7), dbSNP rs139962835, ClinGen allele CA311618411.